The following is an entry in ClinVar:

ClinVar aggregate classification (germline): Benign/Likely benign. Review status: criteria provided, multiple submitters, no conflicts (2 of 4 stars). 3 submissions from 3 submitters: Benign (1); Likely benign (1). 1 of the submissions does not count toward it. Last evaluated 2026-01-26.

Conditions:
MTOR-related disorder. Also called: MTOR-related condition.

Allele frequency attached by ClinVar (database versions not stated): gnomAD exomes 0.00002 and 0.00003; ExAC 0.00003; gnomAD 0.00006 and 0.00007; ESP Exome Variant Server 0.00008; TOPMed 0.00008; 1000 Genomes Project 30x 0.00031; 1000 Genomes Project 0.00040.
gnomAD v4.1: 37 of 1,614,184 alleles (0.0023%); highest among the groups gnomAD compares: African/African-American, 0.041%; no homozygotes.

Submissions (3):

Labcorp Genetics (formerly Invitae), Labcorp
Classification: Benign. Last evaluated: 2026-01-26. Review status: criteria provided, single submitter. Criteria: Invitae Variant Classification Sherloc (09022015). Collection method: clinical testing. Allele origin: germline.

CeGaT Center for Human Genetics Tuebingen
Classification: Likely benign. Last evaluated: 2025-12-01. Review status: criteria provided, single submitter. Criteria: CeGaT Center For Human Genetics Tuebingen Variant Classification Criteria Version 2. Collection method: clinical testing. Allele origin: germline. Affected: yes. Observed: 1 variant allele.
Comment: MTOR: BP4, BS2

PreventionGenetics, part of Exact Sciences
Classification: Likely benign for MTOR-related condition. Last evaluated: 2023-07-26. Review status: no assertion criteria provided. Collection method: clinical testing. Allele origin: germline. Not counted in ClinVar's aggregate classification.
Comment: This variant is classified as likely benign based on ACMG/AMP sequence variant interpretation guidelines (Richards et al. 2015 PMID: 25741868, with internal and published modifications).

NM_004958.4(MTOR):c.7314C>T (p.Gly2438=)

Gene: MTOR (mechanistic target of rapamycin kinase; minus strand). Cytogenetic location: 1p36.22.
Variant type: single nucleotide variant.
Coding change: c.7314C>T on transcript NM_004958.4 (MANE Select); coding-DNA position 7314, C replaced by T.
Protein change: p.Gly2438=; no amino-acid change (glycine 2438 retained).
Molecular consequence: synonymous variant.
Genome position (GRCh38, 1-based): chr1:11,112,904, G>A on the plus strand (C>T on the coding strand, the complement: MTOR is on the minus strand). VCF-style: chr1-11112904-G-A. GRCh37 (hg19) VCF-style: chr1-11172961-G-A.
Other names: c.7314C>T (NM_004958.3); c.7314C>T, p.Gly2438= (NM_001386500.1); c.6066C>T, p.Gly2022= (NM_001386501.1).
Identifiers: ClinVar variation 1165324 (VCV001165324.16), dbSNP rs142544102, ClinGen allele CA588875.